The following is an entry in ClinVar:

NM_001128840.3(CACNA1D):c.863T>G (p.Ile288Arg)

Gene: CACNA1D (calcium voltage-gated channel subunit alpha1 D; plus strand). Cytogenetic location: 3p21.1.
Variant type: single nucleotide variant.
Coding change: c.863T>G on transcript NM_001128840.3 (MANE Select); coding-DNA position 863, T replaced by G.
Protein change: p.Ile288Arg; replaces isoleucine 288 with arginine.
Molecular consequence: missense variant.
Genome position (GRCh38, 1-based): chr3:53,665,756, T>G. VCF-style: chr3-53665756-T-G. GRCh37 (hg19) VCF-style: chr3-53699783-T-G.
Other names: c.863T>G, p.Ile288Arg (NM_000720.4, NM_001128839.3); short protein forms I288R.
Identifiers: ClinVar variation 4742188 (VCV004742188.1).

ClinVar aggregate classification (germline): Uncertain significance (1 of 4 stars; one submission).

Submission:

Labcorp Genetics (formerly Invitae), Labcorp
Classification: Uncertain significance. Last evaluated: 2025-11-09. Review status: criteria provided, single submitter. Criteria: Invitae Variant Classification Sherloc (09022015). Collection method: clinical testing. Allele origin: germline.
Comment: This sequence change replaces isoleucine, which is neutral and non-polar, with arginine, which is basic and polar, at codon 288 of the CACNA1D protein (p.Ile288Arg). This variant is not present in population databases (gnomAD no frequency). This variant has not been reported in the literature in individuals affected with CACNA1D-related conditions. Invitae Evidence Modeling of protein sequence and biophysical properties (such as structural, functional, and spatial information, amino acid conservation, physicochemical variation, residue mobility, and thermodynamic stability) has been performed for this missense variant. However, the output from this modeling did not meet the statistical confidence thresholds required to predict the impact of this variant on CACNA1D protein function. In summary, the available evidence is currently insufficient to determine the role of this variant in disease. Therefore, it has been classified as a Variant of Uncertain Significance.